The following is an entry in ClinVar:

NM_000057.4(BLM):c.4140T>G (p.Ser1380Arg)

Gene: BLM (BLM RecQ like helicase; plus strand). Cytogenetic location: 15q26.1.
Variant type: single nucleotide variant.
Coding change: c.4140T>G on transcript NM_000057.4 (MANE Select); coding-DNA position 4140, T replaced by G.
Protein change: p.Ser1380Arg; replaces serine 1380 with arginine.
Molecular consequence: missense variant.
Genome position (GRCh38, 1-based): chr15:90,815,165, T>G. VCF-style: chr15-90815165-T-G. GRCh37 (hg19) VCF-style: chr15-91358395-T-G.
Other names: c.4140T>G (LRG_20t1); c.4140T>G, p.Ser1380Arg (NM_001287246.2); c.3747T>G, p.Ser1249Arg (NM_001287247.2); c.3015T>G, p.Ser1005Arg (NM_001287248.2); short protein forms S1380R, S1005R, S1249R.
Identifiers: ClinVar variation 374316 (VCV000374316.20), dbSNP rs747834576, ClinGen allele CA7739205.

ClinVar aggregate classification (germline): Uncertain significance. Review status: criteria provided, multiple submitters, no conflicts (2 of 4 stars). 6 submissions from 6 submitters: Uncertain significance (3). 3 of the submissions do not count toward it. Last evaluated 2025-10-15.

Conditions:
Hereditary cancer-predisposing syndrome. Also called: Hereditary neoplastic syndrome; Hereditary Cancer Syndrome; Neoplastic Syndromes, Hereditary; Tumor predisposition. Identifiers: Orphanet 140162, MedGen C0027672, MeSH D009386, MONDO:0015356.
Bloom syndrome (BLM). Also called: Bloom-Torre-Machacek syndrome. Identifiers: Orphanet 125, MedGen C0005859, MONDO:0008876, OMIM 210900.

Allele frequency attached by ClinVar (database versions not stated): TOPMed below 0.00001; ExAC 0.00001; gnomAD exomes 0.00001 and 0.00002.
gnomAD v4.1: 27 of 1,614,202 alleles (0.0017%); highest among the groups gnomAD compares: Non-Finnish European, 0.0023%; no homozygotes.

Submissions (6):

Ambry Genetics
Classification: Uncertain significance for Hereditary cancer-predisposing syndrome. Last evaluated: 2025-10-15. Review status: criteria provided, single submitter. Criteria: Ambry Variant Classification Scheme 2023. Collection method: clinical testing. Allele origin: germline.
Comment: The p.S1380R variant (also known as c.4140T>G), located in coding exon 21 of the BLM gene, results from a T to G substitution at nucleotide position 4140. The serine at codon 1380 is replaced by arginine, an amino acid with dissimilar properties. This alteration was detected in a cohort of 7374 consecutive unrelated patients who had been referred to a clinical diagnostic laboratory for whole-exome sequencing (Posey JE et al. N Engl J Med, 2017 01;376:21-31). This amino acid position is not well conserved in available vertebrate species. In addition, this alteration is predicted to be tolerated by in silico analysis. Since supporting evidence is limited at this time, the clinical significance of this alteration remains unclear.

Labcorp Genetics (formerly Invitae), Labcorp
Classification: Uncertain significance for Bloom syndrome. Last evaluated: 2025-04-29. Review status: criteria provided, single submitter. Criteria: Invitae Variant Classification Sherloc (09022015). Collection method: clinical testing. Allele origin: germline.
Comment: This sequence change replaces serine, which is neutral and polar, with arginine, which is basic and polar, at codon 1380 of the BLM protein (p.Ser1380Arg). This variant is present in population databases (rs747834576, gnomAD 0.003%). This missense change has been observed in individual(s) with multiple congenital anomalies (PMID: 27959697). ClinVar contains an entry for this variant (Variation ID: 374316). Invitae Evidence Modeling of protein sequence and biophysical properties (such as structural, functional, and spatial information, amino acid conservation, physicochemical variation, residue mobility, and thermodynamic stability) indicates that this missense variant is not expected to disrupt BLM protein function with a negative predictive value of 80%. RNA analysis performed to evaluate the impact of this missense change on mRNA splicing indicates it does not significantly alter splicing (internal data). In summary, the available evidence is currently insufficient to determine the role of this variant in disease. Therefore, it has been classified as a Variant of Uncertain Significance.

GeneDx
Classification: Uncertain significance. Last evaluated: 2025-01-29. Review status: criteria provided, single submitter. Criteria: GeneDx Variant Classification Process June 2021. Collection method: clinical testing. Allele origin: germline. Affected: yes.
Comment: Not observed at significant frequency in large population cohorts (gnomAD); In silico analysis indicates that this missense variant does not alter protein structure/function; This variant is associated with the following publications: (PMID: 32704157, 27959697)

Natera, Inc.
Classification: Uncertain significance for Bloom syndrome. Last evaluated: 2018-09-27. Review status: no assertion criteria provided. Collection method: clinical testing. Allele origin: germline. Not counted in ClinVar's aggregate classification.

Counsyl
Classification: Uncertain significance for Bloom syndrome. Last evaluated: 2017-11-08. Review status: no assertion criteria provided. Collection method: clinical testing. Allele origin: unknown. Not counted in ClinVar's aggregate classification.

Baylor Genetics
Classification: Uncertain significance for Bloom syndrome. Last evaluated: 2016-05-01. Review status: no assertion criteria provided. Collection method: clinical testing. Allele origin: maternal, germline. Inheritance: Autosomal recessive inheritance. Affected: yes. Not counted in ClinVar's aggregate classification.

Literature cited by the submitters: PubMed 27959697 (cited by 3 submitters).